The following is an entry in ClinVar:

ClinVar aggregate classification (germline): Uncertain significance (1 of 4 stars; one submission).

gnomAD v4.1: 2 of 1,614,218 alleles (0.00012%); highest among the groups gnomAD compares: South Asian, 0.0011%; no homozygotes.

Submission:

Labcorp Genetics (formerly Invitae), Labcorp
Classification: Uncertain significance. Last evaluated: 2025-12-13. Review status: criteria provided, single submitter. Criteria: Invitae Variant Classification Sherloc (09022015). Collection method: clinical testing. Allele origin: germline.
Comment: This sequence change replaces serine, which is neutral and polar, with isoleucine, which is neutral and non-polar, at codon 226 of the TRAP1 protein (p.Ser226Ile). This variant is not present in population databases (gnomAD no frequency). This variant has not been reported in the literature in individuals affected with TRAP1-related conditions. Invitae Evidence Modeling of protein sequence and biophysical properties (such as structural, functional, and spatial information, amino acid conservation, physicochemical variation, residue mobility, and thermodynamic stability) indicates that this missense variant is not expected to disrupt TRAP1 protein function with a negative predictive value of 80%. In summary, the available evidence is currently insufficient to determine the role of this variant in disease. Therefore, it has been classified as a Variant of Uncertain Significance.

NM_016292.3(TRAP1):c.677G>T (p.Ser226Ile)

Gene: TRAP1 (TNF receptor associated protein 1; minus strand). Cytogenetic location: 16p13.3.
Variant type: single nucleotide variant.
Coding change: c.677G>T on transcript NM_016292.3 (MANE Select); coding-DNA position 677, G replaced by T.
Protein change: p.Ser226Ile; replaces serine 226 with isoleucine.
Molecular consequence: missense variant.
Genome position (GRCh38, 1-based): chr16:3,677,525, C>A on the plus strand (G>T on the coding strand, the complement: TRAP1 is on the minus strand). VCF-style: chr16-3677525-C-A. GRCh37 (hg19) VCF-style: chr16-3727526-C-A.
Other names: c.518G>T, p.Ser173Ile (NM_001272049.2); short protein forms S173I, S226I.
Identifiers: ClinVar variation 4720007 (VCV004720007.1).
Genomic context (GRCh38, chr16:3,677,525, plus strand): 5'-TGAGCTGCCTGTCAGGCGACATTCGTCACTCACCCATCTGAAAGCCACTGGTAACCCAGG[C>A]TCCCCGGGGCTGCCGAGCGGGAATAGACCTCCACTCTGTCAGCCACCATGAAAGCTGAGT-3'
Protein context (NP_057376.2, residues 216-236): EVYSRSAAPG[Ser226Ile]LGYQWLSDGS